The following is an entry in ClinVar:

ClinVar aggregate classification (germline): Uncertain significance. Review status: criteria provided, multiple submitters, no conflicts (2 of 4 stars). 2 submissions from 2 submitters: Uncertain significance (2). Last evaluated 2023-02-22.

Conditions:
Hereditary diffuse gastric adenocarcinoma (HDGC). Also called: DIFFUSE GASTRIC AND LOBULAR BREAST CANCER SYNDROME. Identifiers: Orphanet 26106, MedGen C1708349, MONDO:0007648, OMIM 137215.

gnomAD v4.1: 1 of 1,614,196 alleles (0.000062%); highest among the groups gnomAD compares: African/African-American, 0.0013%; no homozygotes.

Submissions (2):

Labcorp Genetics (formerly Invitae), Labcorp
Classification: Uncertain significance for Hereditary diffuse gastric adenocarcinoma. Last evaluated: 2023-02-22. Review status: criteria provided, single submitter. Criteria: Invitae Variant Classification Sherloc (09022015). Collection method: clinical testing. Allele origin: germline.
Comment: This sequence change replaces serine, which is neutral and polar, with threonine, which is neutral and polar, at codon 507 of the CDH1 protein (p.Ser507Thr). In summary, the available evidence is currently insufficient to determine the role of this variant in disease. Therefore, it has been classified as a Variant of Uncertain Significance. Algorithms developed to predict the effect of missense changes on protein structure and function output the following: SIFT: "Not Available"; PolyPhen-2: "Benign"; Align-GVGD: "Not Available". The threonine amino acid residue is found in multiple mammalian species, which suggests that this missense change does not adversely affect protein function. This variant has not been reported in the literature in individuals affected with CDH1-related conditions. This variant is present in population databases (no rsID available, gnomAD 0.007%).

European Reference Network on Genetic Tumour Risk Syndromes (ERN-GENTURIS), i3s - Instituto de Investigação e Inovação em Saúde, University of Porto
Classification: Uncertain significance for Hereditary diffuse gastric adenocarcinoma. Last evaluated: 2022-08-01. Review status: criteria provided, single submitter. Criteria: Lee et al. (Hum Mutat. 2018). Collection method: clinical testing. Allele origin: germline. Inheritance: Autosomal dominant inheritance. Affected: no. Study: ERN GENTURIS.
Comment: PM2 (PMID: 30311375)

Literature cited by the submitters: PubMed 36436516 (cited by European Reference Network on Genetic Tumour Risk Syndromes (ERN-GENTURIS), i3s - Instituto de Investigação e Inovação em Saúde, University of Porto).

NM_004360.5(CDH1):c.1519T>A (p.Ser507Thr)

Gene: CDH1 (cadherin 1; plus strand). Cytogenetic location: 16q22.1.
Variant type: single nucleotide variant.
Coding change: c.1519T>A on transcript NM_004360.5 (MANE Select); coding-DNA position 1519, T replaced by A.
Protein change: p.Ser507Thr; replaces serine 507 with threonine.
Molecular consequence: missense variant. On other transcripts: 5 prime UTR variant (2).
Genome position (GRCh38, 1-based): chr16:68,815,713, T>A. VCF-style: chr16-68815713-T-A. GRCh37 (hg19) VCF-style: chr16-68849616-T-A.
Other names: c.1336T>A, p.Ser446Thr (NM_001317184.2); c.-30T>A (NM_001317185.2); c.-301T>A (NM_001317186.2); short protein forms S446T, S507T.
Identifiers: ClinVar variation 2502962 (VCV002502962.4), dbSNP rs1402430481, ClinGen allele CA396463360.